The following is an entry in ClinVar:

ClinVar aggregate classification (germline): Uncertain significance. Review status: criteria provided, multiple submitters, no conflicts (2 of 4 stars). 2 submissions from 2 submitters: Uncertain significance (2). Last evaluated 2025-08-31.

Conditions:
Inborn genetic diseases. Identifiers: MedGen C0950123, MeSH D030342.

Allele frequency attached by ClinVar (database versions not stated): gnomAD exomes 0.00003 and 0.00004.
gnomAD v4.1: 43 of 1,551,538 alleles (0.0028%); highest among the groups gnomAD compares: Admixed American, 0.012%; no homozygotes.

Submissions (2):

Ambry Genetics
Classification: Uncertain significance for Inborn genetic diseases. Last evaluated: 2025-08-31. Review status: criteria provided, single submitter. Criteria: Ambry Variant Classification Scheme 2023. Collection method: clinical testing. Allele origin: germline.

Labcorp Genetics (formerly Invitae), Labcorp
Classification: Uncertain significance. Last evaluated: 2022-07-06. Review status: criteria provided, single submitter. Criteria: Invitae Variant Classification Sherloc (09022015). Collection method: clinical testing. Allele origin: germline.
Comment: This sequence change replaces threonine, which is neutral and polar, with methionine, which is neutral and non-polar, at codon 701 of the UNC45A protein (p.Thr701Met). This variant is present in population databases (no rsID available, gnomAD 0.009%). This variant has not been reported in the literature in individuals affected with UNC45A-related conditions. ClinVar contains an entry for this variant (Variation ID: 1397796). Algorithms developed to predict the effect of missense changes on protein structure and function are either unavailable or do not agree on the potential impact of this missense change (SIFT: "Not Available"; PolyPhen-2: "Probably Damaging"; Align-GVGD: "Not Available"). In summary, the available evidence is currently insufficient to determine the role of this variant in disease. Therefore, it has been classified as a Variant of Uncertain Significance.

NM_018671.5(UNC45A):c.2102C>T (p.Thr701Met)

Gene: UNC45A (unc-45 myosin chaperone A; plus strand). Cytogenetic location: 15q26.1.
Variant type: single nucleotide variant.
Coding change: c.2102C>T on transcript NM_018671.5 (MANE Select); coding-DNA position 2102, C replaced by T.
Protein change: p.Thr701Met; replaces threonine 701 with methionine.
Molecular consequence: missense variant.
Genome position (GRCh38, 1-based): chr15:90,950,182, C>T. VCF-style: chr15-90950182-C-T. GRCh37 (hg19) VCF-style: chr15-91493412-C-T.
Other names: c.2102C>T (NM_018671.3); c.2057C>T, p.Thr686Met (NM_001039675.2, NM_001323621.2); c.2102C>T, p.Thr701Met (NM_001323619.1); c.1667C>T, p.Thr556Met (NM_001323620.2); short protein forms T556M, T686M, T701M.
Identifiers: ClinVar variation 1397796 (VCV001397796.7), dbSNP rs903169655, ClinGen allele CA274751212.